The following is an entry in ClinVar:

ClinVar aggregate classification (germline): Likely benign. Review status: criteria provided, multiple submitters, no conflicts (2 of 4 stars). 2 submissions from 2 submitters: Likely benign (2). Last evaluated 2025-12-23.

Conditions:
Charcot-Marie-Tooth disease type 2. Also called: Charcot-Marie-Tooth type 2. Identifiers: Orphanet 64746, MedGen C0270914, MONDO:0018993.

Allele frequency attached by ClinVar (database versions not stated): ExAC 0.00001; gnomAD exomes below 0.00001; TOPMed 0.00001; gnomAD 0.00002.
gnomAD v4.1: 4 of 1,613,390 alleles (0.00025%); highest among the groups gnomAD compares: African/African-American, 0.0053%; no homozygotes.

Submissions (2):

Labcorp Genetics (formerly Invitae), Labcorp
Classification: Likely benign for Charcot-Marie-Tooth disease type 2. Last evaluated: 2025-12-23. Review status: criteria provided, single submitter. Criteria: Invitae Variant Classification Sherloc (09022015). Collection method: clinical testing. Allele origin: germline.

GeneDx
Classification: Likely benign. Last evaluated: 2016-02-16. Review status: criteria provided, single submitter. Criteria: GeneDx Variant Classification (06012015). Collection method: clinical testing. Allele origin: germline. Affected: yes.
Comment: This variant is considered likely benign or benign based on one or more of the following criteria: it is a conservative change, it occurs at a poorly conserved position in the protein, it is predicted to be benign by multiple in silico algorithms, and/or has population frequency not consistent with disease.

NM_014874.4(MFN2):c.1875G>A (p.Val625=)

Gene: MFN2 (mitofusin 2; plus strand). Cytogenetic location: 1p36.22.
Variant type: single nucleotide variant.
Coding change: c.1875G>A on transcript NM_014874.4 (MANE Select); coding-DNA position 1875, G replaced by A.
Protein change: p.Val625=; no amino-acid change (valine 625 retained).
Molecular consequence: synonymous variant.
Genome position (GRCh38, 1-based): chr1:12,007,055, G>A. VCF-style: chr1-12007055-G-A. GRCh37 (hg19) VCF-style: chr1-12067112-G-A.
Other names: c.1875G>A, p.Val625= (NM_001127660.2).
Identifiers: ClinVar variation 382999 (VCV000382999.2), dbSNP rs747719940, ClinGen allele CA599266.